The following is an entry in ClinVar:

NM_004004.6(GJB2):c.250G>A (p.Val84Met)

Gene: GJB2 (gap junction protein beta 2; minus strand). Cytogenetic location: 13q12.11.
Variant type: single nucleotide variant.
Coding change: c.250G>A on transcript NM_004004.6 (MANE Select); coding-DNA position 250, G replaced by A.
Protein change: p.Val84Met; replaces valine 84 with methionine.
Molecular consequence: missense variant.
Genome position (GRCh38, 1-based): chr13:20,189,332, C>T on the plus strand (G>A on the coding strand, the complement: GJB2 is on the minus strand). VCF-style: chr13-20189332-C-T. GRCh37 (hg19) VCF-style: chr13-20763471-C-T.
Other names: short protein forms V84M.
Identifiers: ClinVar variation 17036 (VCV000017036.22), dbSNP rs104894409, ClinGen allele CA257683.

ClinVar aggregate classification (germline): Pathogenic. Review status: criteria provided, multiple submitters, no conflicts (2 of 4 stars). 13 submissions from 12 submitters: Pathogenic (8). 5 of the submissions do not count toward it. Last evaluated 2026-02-24.

Conditions:
GJB2-related disorder. Also called: GJB2-related condition; GJB2-related disorders. Identifiers: MedGen CN382183, MONDO:1060236.
Monogenic hearing loss.
Rare genetic deafness. Identifiers: Orphanet 96210, MedGen C5680250.
Autosomal recessive nonsyndromic hearing loss 1A (DFNB1A). Also called: Connexin 26 deafness; Deafness nonsyndromic, Connexin 26 linked; GJB6-Related DFNB 1 Nonsyndromic Hearing Loss and Deafness; GJB2-Related Autosomal Recessive Nonsyndromic Hearing Loss; Nonsyndromic Hearing Loss and Deafness, DFNB1; Deafness, autosomal recessive 1A. Identifiers: Orphanet 90636, MedGen C2673759, MONDO:0009076, OMIM 220290.
Autosomal dominant nonsyndromic hearing loss 3A. Identifiers: Orphanet 90635, MedGen C2675750, MONDO:0011103, OMIM 601544.
Progressive sensorineural hearing impairment. Identifiers: MedGen C1843156, HP:0000408.

Submissions (13):

Genetics Laboratory, Great Ormond Street Hospital NHS Foundation Trust, North Thames Genomic Laboratory Hub
Classification: Pathogenic for Monogenic hearing loss. Last evaluated: 2026-02-24. Review status: criteria provided, single submitter. Criteria: ACGS Best Practice Guidelines for Variant Classification in Rare Disease 2024 v1.2. Collection method: clinical testing. Allele origin: germline. Affected: yes.
Comment: PM2_moderate, PP3_supporting, PM5_strong, PS3_supporting, PM3_moderate

Labcorp Genetics (formerly Invitae), Labcorp
Classification: Pathogenic. Last evaluated: 2024-09-08. Review status: criteria provided, single submitter. Criteria: Invitae Variant Classification Sherloc (09022015). Collection method: clinical testing. Allele origin: germline.
Comment: This sequence change replaces valine, which is neutral and non-polar, with methionine, which is neutral and non-polar, at codon 84 of the GJB2 protein (p.Val84Met). This variant is present in population databases (rs104894409, gnomAD 0.01%). This missense change has been observed in individuals with autosomal recessive non-syndromic deafness (PMID: 30344259, 31160754). ClinVar contains an entry for this variant (Variation ID: 17036). Invitae Evidence Modeling of protein sequence and biophysical properties (such as structural, functional, and spatial information, amino acid conservation, physicochemical variation, residue mobility, and thermodynamic stability) indicates that this missense variant is expected to disrupt GJB2 protein function with a positive predictive value of 95%. This variant disrupts the p.Val84 amino acid residue in GJB2. Other variant(s) that disrupt this residue have been determined to be pathogenic (PMID: 11556849, 12172394, 16380907, 19235794). This suggests that this residue is clinically significant, and that variants that disrupt this residue are likely to be disease-causing. For these reasons, this variant has been classified as Pathogenic.

Blueprint Genetics
Classification: Pathogenic for GJB2-related disorders. Last evaluated: 2024-07-04. Review status: criteria provided, single submitter. Criteria: ACMG Guidelines, 2015. Collection method: clinical testing. Allele origin: germline. Affected: yes. Observed: 2 variant alleles.

Athena Diagnostics
Classification: Pathogenic. Last evaluated: 2023-08-21. Review status: criteria provided, single submitter. Criteria: Athena Diagnostics Criteria. Collection method: clinical testing. Allele origin: unknown.
Comment: The frequency of this variant in the general population is consistent with pathogenicity. This variant has been identified in at least one individual with hearing loss. Assessment of experimental evidence suggests this variant results in abnormal protein function. (PMID: 17660464) In multiple individuals, this variant has been seen with a single recessive pathogenic variant in the same gene, suggesting this variant may also be pathogenic.

PreventionGenetics, part of Exact Sciences
Classification: Pathogenic for GJB2-related condition. Last evaluated: 2023-06-21. Review status: criteria provided, single submitter. Criteria: ACMG Guidelines, 2015. Collection method: clinical testing. Allele origin: germline.
Comment: The GJB2 c.250G>A variant is predicted to result in the amino acid substitution p.Val84Met. This variant has been reported in the homozygous and compound heterozygous states in patients with nonsyndromic hearing loss (Plevova. 2018. PubMed ID: 30344259; Pandya. 2020. PubMed ID: 32067424; Table S2, Shen. 2019. PubMed ID: 31160754; Zhang. 2011. PubMed ID: 21366436; Cheng. 2005. PubMed ID: 16222667; Martínez-Saucedo. 2015. PubMed ID: 26553399; Primignani. 2009. PubMed ID: 19371219; Loeza-Becerra. 2014. PubMed ID: 24774219). This variant is reported in 0.0099% of alleles in individuals of Ashkenazi Jewish descent in gnomAD. This variant is interpreted as pathogenic.

Integrating Genomics into Medicine, Frazer Institute, University Of Queensland
Classification: Pathogenic for Autosomal recessive nonsyndromic hearing loss 1A. Last evaluated: 2023-06-02. Review status: criteria provided, single submitter. Criteria: ACMG Guidelines, 2015. Collection method: clinical testing. Allele origin: germline. Affected: yes.

GeneDx
Classification: Pathogenic. Last evaluated: 2023-05-19. Review status: criteria provided, single submitter. Criteria: GeneDx Variant Classification Process June 2021. Collection method: clinical testing. Allele origin: germline. Affected: yes.
Comment: Published functional studies demonstrate a damaging effect with the variant resulting in gap junctions that are incapable of intercellular coupling (Matos et al., 2007); Not observed at a significant frequency in large population cohorts (gnomAD); In silico analysis supports that this missense variant has a deleterious effect on protein structure/function; This variant is associated with the following publications: (PMID: 19101659, 25266519, 12865758, 25388846, 16222667, 24774219, 23668481, 9529365, 31160754, 30344259, 34440441, 34652575, 36100214, 26553399, 17660464, 31992338, 32067424)

Centre for Mendelian Genomics, University Medical Centre Ljubljana
Classification: Pathogenic for Progressive sensorineural hearing impairment. Last evaluated: 2017-01-01. Review status: criteria provided, single submitter. Criteria: ACMG Guidelines, 2015. Collection method: clinical testing. Allele origin: unknown. Affected: yes.

Natera, Inc.
Classification: Pathogenic for Autosomal recessive deafness type 1A. Last evaluated: 2020-09-16. Review status: no assertion criteria provided. Collection method: clinical testing. Allele origin: germline. Not counted in ClinVar's aggregate classification.

Counsyl
Classification: Pathogenic for Autosomal recessive nonsyndromic hearing loss 1A. Last evaluated: 2016-06-08. Review status: no assertion criteria provided. Collection method: clinical testing. Allele origin: unknown. Not counted in ClinVar's aggregate classification.

Counsyl
Classification: Pathogenic for Autosomal dominant nonsyndromic hearing loss 3A. Last evaluated: 2016-06-08. Review status: no assertion criteria provided. Collection method: clinical testing. Allele origin: unknown. Not counted in ClinVar's aggregate classification.

OMIM
Classification: Pathogenic for DEAFNESS, AUTOSOMAL RECESSIVE 1A. Last evaluated: 2007-11-01. Review status: no assertion criteria provided. Collection method: literature only. Allele origin: germline. Not counted in ClinVar's aggregate classification.

Laboratory for Molecular Medicine, Mass General Brigham Personalized Medicine
Classification: Pathogenic for Rare genetic deafness. Last evaluated: 2007-02-12. Review status: no assertion criteria provided. Collection method: clinical testing. Allele origin: germline. Observed: 2 variant alleles. Not counted in ClinVar's aggregate classification.

Literature cited by the submitters: PubMed 30344259 (cited by Labcorp Genetics (formerly Invitae), Labcorp and Athena Diagnostics); PubMed 31160754 (cited by Labcorp Genetics (formerly Invitae), Labcorp and Athena Diagnostics); PubMed 11556849 (cited by Labcorp Genetics (formerly Invitae), Labcorp); PubMed 12172394 (cited by Labcorp Genetics (formerly Invitae), Labcorp); PubMed 16380907 (cited by Labcorp Genetics (formerly Invitae), Labcorp); PubMed 19235794 (cited by Labcorp Genetics (formerly Invitae), Labcorp); PubMed 26553399 (cited by Athena Diagnostics); PubMed 19101659 (cited by Athena Diagnostics); PubMed 19371219 (cited by Athena Diagnostics); PubMed 11439000 (cited by Athena Diagnostics); PubMed 24013081 (cited by Athena Diagnostics); PubMed 21366436 (cited by Athena Diagnostics); PubMed 22281373 (cited by Athena Diagnostics); PubMed 18472371 (cited by Athena Diagnostics and Counsyl); PubMed 24774219 (cited by Athena Diagnostics and Counsyl); PubMed 17660464 (cited by 3 submitters); PubMed 23668481 (cited by Athena Diagnostics and Counsyl); PubMed 12865758 (cited by Athena Diagnostics and Laboratory for Molecular Medicine, Mass General Brigham Personalized Medicine); PubMed 16222667 (cited by Athena Diagnostics and Laboratory for Molecular Medicine, Mass General Brigham Personalized Medicine); PubMed 25266519 (cited by Athena Diagnostics); PubMed 25388846 (cited by Athena Diagnostics); PubMed 32067424 (cited by Athena Diagnostics); PubMed 9529365 (cited by Laboratory for Molecular Medicine, Mass General Brigham Personalized Medicine).